The following is an entry in ClinVar:

NM_001379270.1(CNGA1):c.1916G>A (p.Arg639Gln)

Genes: CNGA1 (cyclic nucleotide gated channel subunit alpha 1; minus strand), LOC101927157 (uncharacterized LOC101927157; plus strand). Cytogenetic location: 4p12.
Variant type: single nucleotide variant.
Coding change: c.1916G>A on transcript NM_001379270.1 (MANE Select); coding-DNA position 1916, G replaced by A.
Protein change: p.Arg639Gln; replaces arginine 639 with glutamine.
Molecular consequence: missense variant.
Genome position (GRCh38, 1-based): chr4:47,936,566, C>T on the plus strand (G>A on the coding strand, the complement: CNGA1 is on the minus strand). VCF-style: chr4-47936566-C-T. GRCh37 (hg19) VCF-style: chr4-47938583-C-T.
Other names: c.1916G>A, p.Arg639Gln (NM_000087.5, NM_001142564.2); short protein forms R639Q.
Identifiers: ClinVar variation 958826 (VCV000958826.11), dbSNP rs768123452, ClinGen allele CA2910996.

ClinVar aggregate classification (germline): Uncertain significance. Review status: criteria provided, multiple submitters, no conflicts (2 of 4 stars). 3 submissions from 3 submitters: Uncertain significance (3). Last evaluated 2024-05-20.

Conditions:
Inborn genetic diseases. Identifiers: MedGen C0950123, MeSH D030342.

Allele frequency attached by ClinVar (database versions not stated): ExAC 0.00002; TOPMed 0.00002; gnomAD 0.00003.
gnomAD v4.1: 54 of 1,614,078 alleles (0.0033%); highest among the groups gnomAD compares: Non-Finnish European, 0.0044%; no homozygotes.

Submissions (3):

Ambry Genetics
Classification: Uncertain significance for Inborn genetic diseases. Last evaluated: 2024-05-20. Review status: criteria provided, single submitter. Criteria: Ambry Variant Classification Scheme 2023. Collection method: clinical testing. Allele origin: germline.

Labcorp Genetics (formerly Invitae), Labcorp
Classification: Uncertain significance. Last evaluated: 2023-08-04. Review status: criteria provided, single submitter. Criteria: Invitae Variant Classification Sherloc (09022015). Collection method: clinical testing. Allele origin: germline.
Comment: This sequence change replaces arginine, which is basic and polar, with glutamine, which is neutral and polar, at codon 643 of the CNGA1 protein (p.Arg643Gln). This variant is present in population databases (rs768123452, gnomAD 0.004%). This variant has not been reported in the literature in individuals affected with CNGA1-related conditions. ClinVar contains an entry for this variant (Variation ID: 958826). An algorithm developed to predict the effect of missense changes on protein structure and function (PolyPhen-2) suggests that this variant is likely to be tolerated. In summary, the available evidence is currently insufficient to determine the role of this variant in disease. Therefore, it has been classified as a Variant of Uncertain Significance.

Blueprint Genetics
Classification: Uncertain significance. Last evaluated: 2022-11-09. Review status: criteria provided, single submitter. Criteria: ACMG Guidelines, 2015. Collection method: clinical testing. Allele origin: germline.